The following is an entry in ClinVar:

NM_004656.4(BAP1):c.484G>T (p.Val162Leu)

Gene: BAP1 (BRCA1 associated deubiquitinase 1; minus strand). Cytogenetic location: 3p21.1.
Variant type: single nucleotide variant.
Coding change: c.484G>T on transcript NM_004656.4 (MANE Select); coding-DNA position 484, G replaced by T.
Protein change: p.Val162Leu; replaces valine 162 with leucine.
Molecular consequence: missense variant.
Genome position (GRCh38, 1-based): chr3:52,407,270, C>A on the plus strand (G>T on the coding strand, the complement: BAP1 is on the minus strand). VCF-style: chr3-52407270-C-A. GRCh37 (hg19) VCF-style: chr3-52441286-C-A.
Other names: c.484G>T, p.Val162Leu (NM_001410772.1); short protein forms V162L.
Identifiers: ClinVar variation 3477253 (VCV003477253.1).

ClinVar aggregate classification (germline): Uncertain significance (1 of 4 stars; one submission).

Conditions:
Hereditary cancer-predisposing syndrome. Also called: Tumor predisposition; Neoplastic Syndromes, Hereditary; Hereditary neoplastic syndrome; Hereditary Cancer Syndrome. Identifiers: Orphanet 140162, MedGen C0027672, MeSH D009386, MONDO:0015356.

Submission:

Ambry Genetics
Classification: Uncertain significance for Hereditary cancer-predisposing syndrome. Last evaluated: 2024-06-28. Review status: criteria provided, single submitter. Criteria: Ambry Variant Classification Scheme 2023. Collection method: clinical testing. Allele origin: germline.
Comment: The p.V162L variant (also known as c.484G>T), located in coding exon 7 of the BAP1 gene, results from a G to T substitution at nucleotide position 484. The valine at codon 162 is replaced by leucine, an amino acid with highly similar properties. This amino acid position is conserved. In addition, the in silico prediction for this alteration is inconclusive. Based on the available evidence, the clinical significance of this variant remains unclear.